The following is an entry in ClinVar:

NM_000059.4(BRCA2):c.8129G>A (p.Ser2710Asn)

Gene: BRCA2 (BRCA2 DNA repair associated; plus strand). Cytogenetic location: 13q13.1.
Variant type: single nucleotide variant.
Coding change: c.8129G>A on transcript NM_000059.4 (MANE Select); coding-DNA position 8129, G replaced by A.
Protein change: p.Ser2710Asn; replaces serine 2710 with asparagine.
Molecular consequence: missense variant.
Genome position (GRCh38, 1-based): chr13:32,363,331, G>A. VCF-style: chr13-32363331-G-A. GRCh37 (hg19) VCF-style: chr13-32937468-G-A.
Other names: short protein forms S2710N.
Identifiers: ClinVar variation 927006 (VCV000927006.7), dbSNP rs2072756770, ClinGen allele CA387749417.

ClinVar aggregate classification (germline): Conflicting classifications of pathogenicity. Review status: criteria provided, conflicting classifications (1 of 4 stars). 5 submissions from 5 submitters: Uncertain significance (4); Benign (1). Last evaluated 2025-05-25.

Conditions:
Hereditary breast ovarian cancer syndrome. Also called: Breast and ovarian cancer; BRCA1- and BRCA2-Associated Hereditary Breast and Ovarian Cancer; Hereditary breast and ovarian cancer; Hereditary breast and/or ovarian cancer syndrome; Hereditary breast and ovarian cancer syndrome; Hereditary breast and ovarian cancer syndrome (HBOC). Identifiers: Orphanet 145, MedGen C0677776, MeSH D061325, MONDO:0003582. Disease mechanism: loss of function.
Breast-ovarian cancer, familial, susceptibility to, 2 (BROVCA2). Also called: BRCA2 Hereditary Breast and Ovarian Cancer. Identifiers: Orphanet 145, MedGen C2675520, MONDO:0012933, OMIM 612555. Disease mechanism: loss of function.
Hereditary cancer-predisposing syndrome. Also called: Tumor predisposition; Hereditary neoplastic syndrome; Neoplastic Syndromes, Hereditary; Hereditary Cancer Syndrome. Identifiers: Orphanet 140162, MedGen C0027672, MeSH D009386, MONDO:0015356.
Familial cancer of breast. Also called: BREAST CANCER, FAMILIAL; hereditary breast carcinoma; Hereditary breast cancer. Identifiers: Orphanet 227535, MedGen C0346153, MONDO:0016419, OMIM 114480. Disease mechanism: loss of function.

Allele frequency attached by ClinVar (database versions not stated): gnomAD exomes below 0.00001.
gnomAD v4.1: 1 of 1,614,158 alleles (0.000062%); highest among the groups gnomAD compares: Non-Finnish European, 0.000085%; no homozygotes.

Submissions (5):

Ambry Genetics
Classification: Benign for Hereditary cancer-predisposing syndrome. Last evaluated: 2025-05-25. Review status: criteria provided, single submitter. Criteria: Ambry Variant Classification Scheme 2023. Collection method: clinical testing. Allele origin: germline.

Labcorp Genetics (formerly Invitae), Labcorp
Classification: Uncertain significance for Hereditary breast ovarian cancer syndrome. Last evaluated: 2024-06-12. Review status: criteria provided, single submitter. Criteria: Invitae Variant Classification Sherloc (09022015). Collection method: clinical testing. Allele origin: germline.
Comment: This sequence change replaces serine, which is neutral and polar, with asparagine, which is neutral and polar, at codon 2710 of the BRCA2 protein (p.Ser2710Asn). This variant is not present in population databases (gnomAD no frequency). This variant has not been reported in the literature in individuals affected with BRCA2-related conditions. ClinVar contains an entry for this variant (Variation ID: 927006). Advanced modeling of protein sequence and biophysical properties (such as structural, functional, and spatial information, amino acid conservation, physicochemical variation, residue mobility, and thermodynamic stability) performed at Invitae indicates that this missense variant is not expected to disrupt BRCA2 protein function with a negative predictive value of 95%. In summary, the available evidence is currently insufficient to determine the role of this variant in disease. Therefore, it has been classified as a Variant of Uncertain Significance.

Baylor Genetics
Classification: Uncertain significance for Familial cancer of breast. Last evaluated: 2024-03-14. Review status: criteria provided, single submitter. Criteria: ACMG Guidelines, 2015. Collection method: clinical testing. Allele origin: unknown.

All of Us Research Program, National Institutes of Health
Classification: Uncertain significance for Breast-ovarian cancer, familial, susceptibility to, 2. Last evaluated: 2023-04-27. Review status: criteria provided, single submitter. Criteria: ACMG Guidelines, 2015. Collection method: clinical testing. Allele origin: germline. Inheritance: Autosomal dominant inheritance. Observed: 1 variant allele, 1 heterozygote.
Comment: This study involves interpretation of variants in research participants for the purpose of population health screening. Participant phenotype was not available at the time of variant classification. Additional details can be found in publication PMID: 35346344, PMCID: PMC8962531

Color Diagnostics, LLC DBA Color Health
Classification: Uncertain significance for Hereditary cancer-predisposing syndrome. Last evaluated: 2019-05-16. Review status: criteria provided, single submitter. Criteria: ACMG Guidelines, 2015. Collection method: clinical testing. Allele origin: germline.